The following is an entry in ClinVar:

NM_001042492.3(NF1):c.2786T>C (p.Leu929Pro)

Gene: NF1 (neurofibromin 1; plus strand). Cytogenetic location: 17q11.2.
Variant type: single nucleotide variant.
Coding change: c.2786T>C on transcript NM_001042492.3 (MANE Select); coding-DNA position 2786, T replaced by C.
Protein change: p.Leu929Pro; replaces leucine 929 with proline.
Molecular consequence: missense variant.
Genome position (GRCh38, 1-based): chr17:31,229,401, T>C. VCF-style: chr17-31229401-T-C. GRCh37 (hg19) VCF-style: chr17-29556419-T-C.
Other names: c.2786T>C, p.Leu929Pro (NM_000267.4); short protein forms L929P.
Identifiers: ClinVar variation 547614 (VCV000547614.34), dbSNP rs1555614338, ClinGen allele CA398985607.

ClinVar aggregate classification (germline): Pathogenic/Likely pathogenic. Review status: criteria provided, multiple submitters, no conflicts (2 of 4 stars). 5 submissions from 5 submitters: Pathogenic (4); Likely pathogenic (1). Last evaluated 2025-11-14.

Conditions:
Cardiovascular phenotype. Identifiers: MedGen CN230736.
Hereditary cancer-predisposing syndrome. Also called: Hereditary Cancer Syndrome; Tumor predisposition; Neoplastic Syndromes, Hereditary; Hereditary neoplastic syndrome. Identifiers: Orphanet 140162, MedGen C0027672, MeSH D009386, MONDO:0015356.
Neurofibromatosis, type 1 (NF1). Also called: VON RECKLINGHAUSEN DISEASE; NEUROFIBROMATOSIS, TYPE I, SOMATIC; Peripheral type neurofibromatosis; Neurofibromatosis, type I. Identifiers: Orphanet 636, MedGen C0027831, MONDO:0018975, OMIM 162200. Disease mechanism: loss of function.

Submissions (5):

Ambry Genetics
Classification: Pathogenic for Cardiovascular phenotype; Hereditary cancer-predisposing syndrome. Last evaluated: 2025-11-14. Review status: criteria provided, single submitter. Criteria: Ambry Variant Classification Scheme 2023. Collection method: clinical testing. Allele origin: germline.
Comment: The p.L929P pathogenic mutation (also known as c.2786T>C), located in coding exon 21 of the NF1 gene, results from a T to C substitution at nucleotide position 2786. The leucine at codon 929 is replaced by proline, an amino acid with similar properties. This alteration has been identified in individuals with a clinical diagnosis of neurofibromatosis type 1 (NF1) in the literature (Ribeiro MJ et al. Invest Ophthalmol Vis Sci, 2012 Jan;53:287-93; Violante IR et al. Brain, 2013 Mar;136:918-25; Du Y et al. Neuro Endocrinol Lett, 2025 Sep;46:70-76; Gjorgjievska M et al. Balkan Med J, 2023 Jul;40:252-261) and at another laboratory (personal communication). This amino acid position is highly conserved in available vertebrate species. In addition, this alteration is predicted to be deleterious by in silico analysis. This variant is considered to be rare based on population cohorts in the Genome Aggregation Database (gnomAD). Based on the supporting evidence, this variant is interpreted as a disease-causing mutation.

Labcorp Genetics (formerly Invitae), Labcorp
Classification: Pathogenic for Neurofibromatosis, type 1. Last evaluated: 2025-11-03. Review status: criteria provided, single submitter. Criteria: Invitae Variant Classification Sherloc (09022015). Collection method: clinical testing. Allele origin: germline.
Comment: This sequence change replaces leucine, which is neutral and non-polar, with proline, which is neutral and non-polar, at codon 929 of the NF1 protein (p.Leu929Pro). This variant is not present in population databases (gnomAD no frequency). This missense change has been observed in individual(s) with clinical features of neurofibromatosis type 1 (PMID: 22190595; internal data). Invitae Evidence Modeling of clinical and family history, age, sex, and reported ancestry of multiple individuals with this NF1 variant has been performed. This variant is expected to be pathogenic with a positive predictive value of at least 99%. This is a validated machine learning model that incorporates the clinical features of 1,785,918 individuals referred to our laboratory for NF1 testing. ClinVar contains an entry for this variant (Variation ID: 547614). Invitae Evidence Modeling of protein sequence and biophysical properties (such as structural, functional, and spatial information, amino acid conservation, physicochemical variation, residue mobility, and thermodynamic stability) indicates that this missense variant is expected to disrupt NF1 protein function with a positive predictive value of 95%. For these reasons, this variant has been classified as Pathogenic.

GeneDx
Classification: Pathogenic. Last evaluated: 2025-06-06. Review status: criteria provided, single submitter. Criteria: GeneDx Variant Classification Process June 2021. Collection method: clinical testing. Allele origin: germline. Affected: yes.
Comment: Not observed at significant frequency in large population cohorts (gnomAD); In silico analysis supports that this missense variant has a deleterious effect on protein structure/function; This variant is associated with the following publications: (PMID: 25486365, 2121369, 23404336, 22190595, 37073110)

CeGaT Center for Human Genetics Tuebingen
Classification: Likely pathogenic. Last evaluated: 2023-08-01. Review status: criteria provided, single submitter. Criteria: CeGaT Center For Human Genetics Tuebingen Variant Classification Criteria Version 2. Collection method: clinical testing. Allele origin: germline. Affected: yes. Observed: 1 variant allele.
Comment: NF1: PM2, PM6, PS4:Moderate, PP3

Center for Human Genetics, Inc
Classification: Pathogenic for Neurofibromatosis, type 1. Last evaluated: 2016-11-01. Review status: criteria provided, single submitter. Criteria: ACMG Guidelines, 2015. Collection method: clinical testing. Allele origin: germline. Affected: yes.

Literature cited by the submitters: PubMed 22190595 (cited by Ambry Genetics and Labcorp Genetics (formerly Invitae), Labcorp); PubMed 23404336 (cited by Ambry Genetics); PubMed 37073110 (cited by Ambry Genetics); PubMed 40929705 (cited by Ambry Genetics).